The following is an entry in ClinVar:

ClinVar aggregate classification (germline): Conflicting classifications of pathogenicity. Review status: criteria provided, conflicting classifications (1 of 4 stars). 2 submissions from 2 submitters: Likely pathogenic (1); Uncertain significance (1). Last evaluated 2025-11-21.

Conditions:
SLC20A2-related disorder. Also called: SLC20A2-related condition.

gnomAD v4.1: 36 of 1,613,994 alleles (0.0022%); highest among the groups gnomAD compares: African/African-American, 0.0027%; no homozygotes.

Submissions (2):

PreventionGenetics, part of Exact Sciences
Classification: Uncertain significance for SLC20A2-related condition. Last evaluated: 2025-11-21. Review status: criteria provided, single submitter. Criteria: ACMG Guidelines, 2015. Collection method: clinical testing. Allele origin: germline.
Comment: The SLC20A2 c.1145G>A variant is predicted to result in the amino acid substitution p.Arg382Gln. This variant has been reported in cis with a canonical splice-altering change (c.1523+1G>A), and the two variants segregated with disease in a family with idiopathic basal ganglia calcification (IBGC) (Hsu et al. 2013. PubMed ID: 23334463). In vitro functional studies suggest this variant may disrupt membrane localization or protein expression (Figure S4, Sun et al. 2023. PubMed ID: 35713844). This variant is reported in 0.0031% of alleles in individuals of European (non-Finnish) descent in gnomAD. At this time, the clinical significance of this variant is uncertain due to the absence of conclusive functional and genetic evidence.

CeGaT Center for Human Genetics Tuebingen
Classification: Likely pathogenic. Last evaluated: 2024-10-01. Review status: criteria provided, single submitter. Criteria: CeGaT Center For Human Genetics Tuebingen Variant Classification Criteria Version 2. Collection method: clinical testing. Allele origin: germline. Affected: yes. Observed: 1 variant allele.
Comment: SLC20A2: PP1:Strong, PM2

NM_001257180.2(SLC20A2):c.1145G>A (p.Arg382Gln)

Gene: SLC20A2 (solute carrier family 20 member 2; minus strand). Cytogenetic location: 8p11.21.
Variant type: single nucleotide variant.
Coding change: c.1145G>A on transcript NM_001257180.2 (MANE Select); coding-DNA position 1145, G replaced by A.
Protein change: p.Arg382Gln; replaces arginine 382 with glutamine.
Molecular consequence: missense variant.
Genome position (GRCh38, 1-based): chr8:42,437,367, C>T on the plus strand (G>A on the coding strand, the complement: SLC20A2 is on the minus strand). VCF-style: chr8-42437367-C-T. GRCh37 (hg19) VCF-style: chr8-42294885-C-T.
Other names: c.1145G>A, p.Arg382Gln (NM_001257181.2, NM_006749.5); c.1145G>A (NM_001257180.1); short protein forms R382Q.
Identifiers: ClinVar variation 3388038 (VCV003388038.15).